The following is an entry in ClinVar:

NM_201384.3(PLEC):c.8522G>A (p.Arg2841His)

Gene: PLEC (plectin; minus strand). Cytogenetic location: 8q24.3.
Variant type: single nucleotide variant.
Coding change: c.8522G>A on transcript NM_201384.3 (MANE Select); coding-DNA position 8522, G replaced by A.
Protein change: p.Arg2841His; replaces arginine 2841 with histidine.
Molecular consequence: missense variant.
Genome position (GRCh38, 1-based): chr8:143,921,299, C>T on the plus strand (G>A on the coding strand, the complement: PLEC is on the minus strand). VCF-style: chr8-143921299-C-T. GRCh37 (hg19) VCF-style: chr8-144995467-C-T.
Other names: c.8603G>A (NM_000445.3); c.8603G>A, p.Arg2868His (NM_000445.5); c.8480G>A, p.Arg2827His (NM_201378.4); c.8456G>A, p.Arg2819His (NM_201379.3); c.8933G>A, p.Arg2978His (NM_201380.4); c.8426G>A, p.Arg2809His (NM_201381.3); c.8522G>A, p.Arg2841His (NM_201382.4); c.8534G>A, p.Arg2845His (NM_201383.3); short protein forms R2845H, R2868H, R2841H, R2827H, R2978H, R2809H, R2819H.
Identifiers: ClinVar variation 597475 (VCV000597475.12), dbSNP rs568733727, ClinGen allele CA4925276.

ClinVar aggregate classification (germline): Uncertain significance. Review status: criteria provided, multiple submitters, no conflicts (2 of 4 stars). 4 submissions from 4 submitters: Uncertain significance (4). Last evaluated 2026-01-12.

Conditions:
Epidermolysis bullosa simplex 5B, with muscular dystrophy (EBS5B). Also called: Epidermolysis bullosa simplex with muscular dystrophy; EPIDERMOLYSIS BULLOSA SIMPLEX AND LIMB-GIRDLE MUSCULAR DYSTROPHY. Identifiers: Orphanet 257, MedGen C2931072, MONDO:0009181, OMIM 226670.
Epidermolysis bullosa simplex, Ogna type (EBS5A). Also called: Pidermolysis bullosa simplex 5A, Ogna type; EPIDERMOLYSIS BULLOSA SIMPLEX 5A, OGNA TYPE. Identifiers: Orphanet 79401, MedGen C0432317, MONDO:0007555, OMIM 131950.
Epidermolysis bullosa simplex with nail dystrophy (EBS5D). Identifiers: MedGen C4225309, MONDO:0014661, OMIM 616487.
Autosomal recessive limb-girdle muscular dystrophy type 2Q (LGMDR17). Also called: MUSCULAR DYSTROPHY, LIMB-GIRDLE, AUTOSOMAL RECESSIVE 17. Identifiers: Orphanet 254361, MedGen C3150989, MONDO:0013390, OMIM 613723.
Epidermolysis bullosa simplex 5C, with pyloric atresia (EBS5C). Also called: PLEC-Related Epidermolysis Bullosa with Pyloric Atresia; Epidermolysis bullosa simplex with pyloric atresia; PLEC1-Related Epidermolysis Bullosa with Pyloric Atresia. Identifiers: Orphanet 158684, MedGen C2677349, MONDO:0012807, OMIM 612138.
Inborn genetic diseases. Identifiers: MedGen C0950123, MeSH D030342.

Allele frequency attached by ClinVar (database versions not stated): gnomAD 0.00001 and 0.00002; gnomAD exomes 0.00002 and 0.00004; TOPMed 0.00002; ExAC 0.00003; 1000 Genomes Project 0.00020; 1000 Genomes Project 30x 0.00031.
gnomAD v4.1: 38 of 1,613,996 alleles (0.0024%); highest among the groups gnomAD compares: South Asian, 0.02%; no homozygotes.

Submissions (4):

Labcorp Genetics (formerly Invitae), Labcorp
Classification: Uncertain significance for Autosomal recessive limb-girdle muscular dystrophy type 2Q; Epidermolysis bullosa simplex, Ogna type; Epidermolysis bullosa simplex with nail dystrophy; Epidermolysis bullosa simplex 5C, with pyloric atresia; Epidermolysis bullosa simplex 5B, with muscular dystrophy. Last evaluated: 2026-01-12. Review status: criteria provided, single submitter. Criteria: Invitae Variant Classification Sherloc (09022015). Collection method: clinical testing. Allele origin: germline.
Comment: This sequence change replaces arginine, which is basic and polar, with histidine, which is basic and polar, at codon 2868 of the PLEC protein (p.Arg2868His). This variant is present in population databases (rs568733727, gnomAD 0.04%). This variant has not been reported in the literature in individuals affected with PLEC-related conditions. ClinVar contains an entry for this variant (Variation ID: 597475). An algorithm developed to predict the effect of missense changes on protein structure and function (PolyPhen-2) suggests that this variant is likely to be tolerated. In summary, the available evidence is currently insufficient to determine the role of this variant in disease. Therefore, it has been classified as a Variant of Uncertain Significance.

Ambry Genetics
Classification: Uncertain significance for Inborn genetic diseases. Last evaluated: 2025-06-25. Review status: criteria provided, single submitter. Criteria: Ambry Variant Classification Scheme 2023. Collection method: clinical testing. Allele origin: germline.

Revvity Omics, Revvity
Classification: Uncertain significance. Last evaluated: 2024-03-26. Review status: criteria provided, single submitter. Criteria: ACMG Guidelines, 2015. Collection method: clinical testing. Allele origin: germline.

Eurofins Ntd Llc (ga)
Classification: Uncertain significance. Last evaluated: 2018-06-14. Review status: criteria provided, single submitter. Criteria: EGL ClinVar v180209 classification definitions. Collection method: clinical testing. Allele origin: germline. Observed: 1 variant allele, 1 heterozygote.